The following is an entry in ClinVar:

ClinVar aggregate classification (germline): Likely benign. Review status: reviewed by expert panel (3 of 4 stars). 26 submissions from 26 submitters: Likely benign (1). 25 of the submissions do not count toward it. Last evaluated 2017-06-29.

Conditions:
Hereditary cancer-predisposing syndrome. Also called: Hereditary Cancer Syndrome; Tumor predisposition; Neoplastic Syndromes, Hereditary; Hereditary neoplastic syndrome. Identifiers: Orphanet 140162, MedGen C0027672, MeSH D009386, MONDO:0015356.
Breast and/or ovarian cancer. Identifiers: MedGen CN221562.
Hereditary breast ovarian cancer syndrome. Also called: Breast and ovarian cancer; BRCA1- and BRCA2-Associated Hereditary Breast and Ovarian Cancer; Hereditary breast and ovarian cancer; Hereditary breast and ovarian cancer syndrome (HBOC); Hereditary breast and ovarian cancer syndrome; Hereditary breast and/or ovarian cancer syndrome. Identifiers: Orphanet 145, MedGen C0677776, MeSH D061325, MONDO:0003582. Disease mechanism: loss of function.
Breast-ovarian cancer, familial, susceptibility to, 2 (BROVCA2). Also called: BRCA2 Hereditary Breast and Ovarian Cancer. Identifiers: Orphanet 145, MedGen C2675520, MONDO:0012933, OMIM 612555. Disease mechanism: loss of function.
Malignant tumor of breast. Also called: Malignant breast neoplasm; Cancer breast. Identifiers: MedGen C0006142, MONDO:0007254. Disease mechanism: loss of function.

Allele frequency attached by ClinVar (database versions not stated): gnomAD 0.00009 and 0.00010; gnomAD exomes 0.00010 and 0.00018; ExAC 0.00012; TOPMed 0.00012; 1000 Genomes Project 30x 0.00016; 1000 Genomes Project 0.00020; ESP Exome Variant Server 0.00008.
gnomAD v4.1: 268 of 1,613,780 alleles (0.017%); highest among the groups gnomAD compares: Non-Finnish European, 0.022%; no homozygotes.

Submissions (26):

Evidence-based Network for the Interpretation of Germline Mutant Alleles (ENIGMA)
Classification: Likely benign for Breast-ovarian cancer, familial, susceptibility to, 2. Last evaluated: 2017-06-29. Review status: reviewed by expert panel. Criteria: ENIGMA BRCA1/2 Classification Criteria (2017-06-29). Collection method: curation. Allele origin: germline.
Comment: Synonymous substitution variant, with low bioinformatic likelihood to result in a splicing aberration (Splicing prior probability 0.02).

Labcorp Genetics (formerly Invitae), Labcorp
Classification: Benign for Hereditary breast ovarian cancer syndrome. Last evaluated: 2026-02-02. Review status: criteria provided, single submitter. Criteria: Invitae Variant Classification Sherloc (09022015). Collection method: clinical testing. Allele origin: germline. Not counted in ClinVar's aggregate classification.

CeGaT Center for Human Genetics Tuebingen
Classification: Likely benign. Last evaluated: 2025-04-01. Review status: criteria provided, single submitter. Criteria: CeGaT Center For Human Genetics Tuebingen Variant Classification Criteria Version 2. Collection method: clinical testing. Allele origin: germline. Affected: yes. Observed: 1 variant allele. Not counted in ClinVar's aggregate classification.
Comment: BRCA2: BP4, BS1

Center for Genomic Medicine, Rigshospitalet, Copenhagen University Hospital
Classification: Likely benign. Last evaluated: 2025-03-04. Review status: criteria provided, single submitter. Criteria: ACMG Guidelines, 2015. Collection method: clinical testing. Allele origin: germline. Not counted in ClinVar's aggregate classification.

Mayo Clinic Laboratories, Mayo Clinic
Classification: Benign. Last evaluated: 2025-01-26. Review status: criteria provided, single submitter. Criteria: ACMG Guidelines, 2015. Collection method: clinical testing. Allele origin: germline. Observed: 1 variant allele. Not counted in ClinVar's aggregate classification.
Comment: BS1, BP1_strong

Institute for Biomarker Research, Medical Diagnostic Laboratories, L.L.C.
Classification: Likely benign for Hereditary breast ovarian cancer syndrome. Last evaluated: 2024-03-19. Review status: criteria provided, single submitter. Criteria: ACMG Guidelines, 2015. Collection method: clinical testing. Allele origin: germline. Not counted in ClinVar's aggregate classification.

Blueprint Genetics
Classification: Likely benign. Last evaluated: 2024-03-11. Review status: criteria provided, single submitter. Criteria: ACMG Guidelines, 2015. Collection method: clinical testing. Allele origin: germline. Not counted in ClinVar's aggregate classification.

All of Us Research Program, National Institutes of Health
Classification: Benign for Breast-ovarian cancer, familial, susceptibility to, 2. Last evaluated: 2024-01-11. Review status: criteria provided, single submitter. Criteria: ACMG Guidelines, 2015. Collection method: clinical testing. Allele origin: germline. Inheritance: Autosomal dominant inheritance. Observed: 30 variant alleles, 30 heterozygotes. Not counted in ClinVar's aggregate classification.
Comment: This study involves interpretation of variants in research participants for the purpose of population health screening. Participant phenotype was not available at the time of variant classification. Additional details can be found in publication PMID: 35346344, PMCID: PMC8962531

Quest Diagnostics Nichols Institute San Juan Capistrano
Classification: Benign. Last evaluated: 2022-06-23. Review status: criteria provided, single submitter. Criteria: Quest Diagnostics criteria. Collection method: clinical testing. Allele origin: unknown. Not counted in ClinVar's aggregate classification.

Women's Health and Genetics/Laboratory Corporation of America, LabCorp
Classification: Likely benign. Last evaluated: 2021-07-11. Review status: criteria provided, single submitter. Criteria: LabCorp Variant Classification Summary - May 2015. Collection method: clinical testing. Allele origin: germline. Not counted in ClinVar's aggregate classification.

Sema4
Classification: Likely benign for Hereditary cancer-predisposing syndrome. Last evaluated: 2021-05-19. Review status: criteria provided, single submitter. Criteria: Sema4 Curation Guidelines. Collection method: curation. Allele origin: germline. Not counted in ClinVar's aggregate classification.

CHEO Genetics Diagnostic Laboratory, Children's Hospital of Eastern Ontario
Classification: Likely benign for Breast and/or ovarian cancer. Last evaluated: 2021-02-23. Review status: criteria provided, single submitter. Criteria: ACMG Guidelines, 2015. Collection method: clinical testing. Allele origin: germline. Not counted in ClinVar's aggregate classification.

ARUP Laboratories, Molecular Genetics and Genomics, ARUP Laboratories
Classification: Likely benign. Last evaluated: 2018-09-05. Review status: criteria provided, single submitter. Criteria: ARUP Molecular Germline Variant Investigation Process. Collection method: clinical testing. Allele origin: germline. Not counted in ClinVar's aggregate classification.

Institute of Human Genetics, University of Leipzig Medical Center
Classification: Uncertain significance for Breast-ovarian cancer, familial, susceptibility to, 2. Last evaluated: 2018-02-14. Review status: criteria provided, single submitter. Criteria: ACMG Guidelines, 2015. Collection method: clinical testing. Allele origin: germline. Affected: yes. Observed: 1 variant allele. Not counted in ClinVar's aggregate classification.

PreventionGenetics, part of Exact Sciences
Classification: Likely benign. Last evaluated: 2017-06-09. Review status: criteria provided, single submitter. Criteria: ACMG Guidelines, 2015. Collection method: clinical testing. Allele origin: germline. Not counted in ClinVar's aggregate classification.

Color Diagnostics, LLC DBA Color Health
Classification: Benign for Hereditary cancer-predisposing syndrome. Last evaluated: 2015-11-30. Review status: criteria provided, single submitter. Criteria: ACMG Guidelines, 2015. Collection method: clinical testing. Allele origin: germline. Not counted in ClinVar's aggregate classification.

Eurofins Ntd Llc (ga)
Classification: Uncertain significance. Last evaluated: 2014-11-13. Review status: criteria provided, single submitter. Criteria: EGL Classification Definitions 2015. Collection method: clinical testing. Allele origin: germline. Not counted in ClinVar's aggregate classification.

Ambry Genetics
Classification: Likely benign for Hereditary cancer-predisposing syndrome. Last evaluated: 2014-07-24. Review status: criteria provided, single submitter. Criteria: Ambry Variant Classification Scheme 2023. Collection method: clinical testing. Allele origin: germline. Not counted in ClinVar's aggregate classification.

GeneDx
Classification: Benign. Last evaluated: 2014-02-05. Review status: criteria provided, single submitter. Criteria: GeneDx Variant Classification (06012015). Collection method: clinical testing. Allele origin: germline. Affected: yes. Not counted in ClinVar's aggregate classification.
Comment: This variant is considered likely benign or benign based on one or more of the following criteria: it is a conservative change, it occurs at a poorly conserved position in the protein, it is predicted to be benign by multiple in silico algorithms, and/or has population frequency not consistent with disease.

Cancer Genetics and Genomics Laboratory, British Columbia Cancer Agency
Classification: Uncertain significance for Hereditary breast ovarian cancer syndrome. Last evaluated: 2016-04-14. Review status: no assertion criteria provided. Collection method: clinical testing. Allele origin: germline. Study: The Canadian Open Genetics Repository (COGR). Not counted in ClinVar's aggregate classification.

Counsyl
Classification: Likely benign for Breast-ovarian cancer, familial 2. Last evaluated: 2015-01-22. Review status: no assertion criteria provided. Collection method: literature only. Allele origin: unknown. Inheritance: Autosomal dominant inheritance. Not counted in ClinVar's aggregate classification.

Breast Cancer Information Core (BIC) (BRCA2)
Classification: Uncertain significance for Breast-ovarian cancer, familial 2. Last evaluated: 2007-01-18. Review status: no assertion criteria provided. Collection method: clinical testing. Allele origin: germline. Affected: yes. Observed: 1 variant allele. Not counted in ClinVar's aggregate classification.

Clinical Genetics Laboratory, Department of Pathology, Netherlands Cancer Institute
Classification: Likely benign. Review status: no assertion criteria provided. Collection method: clinical testing. Allele origin: germline. Affected: yes. Study: VKGL Data-share Consensus. Not counted in ClinVar's aggregate classification.

Department of Pathology and Laboratory Medicine, Sinai Health System
Classification: Benign for Malignant tumor of breast. Review status: no assertion criteria provided. Collection method: clinical testing. Allele origin: unknown. Affected: yes. Study: The Canadian Open Genetics Repository (COGR). Not counted in ClinVar's aggregate classification.
Comment: The p.Ser1538Ser variant is not expected to have clinical significance because it does not alter an amino acid residue and is not located near a splice junction. It has been reported in the literature in 3/7256 proband chromosomes of individuals with breast cancer; however, no control chromosomes were tested to establish the frequency of the variant in the general population (Borg 2010, Caux-Moncoutier 2011). It is listed in the dbSNP database as coming from a "clinical source" (ID#: rs45520945) with a global minor allele frequency (MAF) of 0.001, increasing the likelihood that this is a low frequency benign variant. The variant was also identified in the UMD (x6), BIC (x1), Exome Server and the BOCs databases. In the UMD database, this variant was identified in one individual with a second pathogenic variant in the BRCA2 gene, c.1327G>T (p.Glu443X), increasing the likelihood that the p.Ser1538Ser variant is a benign alteration. In summary, based on the above information, we cannot determine the clinical significance of this variant is classified as benign.

Joint Genome Diagnostic Labs from Nijmegen and Maastricht, Radboudumc and MUMC+
Classification: Likely benign. Review status: no assertion criteria provided. Collection method: clinical testing. Allele origin: germline. Affected: yes. Study: VKGL Data-share Consensus. Not counted in ClinVar's aggregate classification.

Laboratory of Diagnostic Genome Analysis, Leiden University Medical Center (LUMC)
Classification: Likely benign. Review status: no assertion criteria provided. Collection method: clinical testing. Allele origin: germline. Affected: yes. Study: VKGL Data-share Consensus. Not counted in ClinVar's aggregate classification.

Literature cited by the submitters: PubMed 20104584 (cited by 4 submitters); PubMed 21120943 (cited by 4 submitters); PubMed 19875419 (cited by Quest Diagnostics Nichols Institute San Juan Capistrano); PubMed 12967658 (cited by Quest Diagnostics Nichols Institute San Juan Capistrano and Counsyl); PubMed 27273131 (cited by Quest Diagnostics Nichols Institute San Juan Capistrano and Sema4).

NM_000059.4(BRCA2):c.4614T>C (p.Ser1538=)

Gene: BRCA2 (BRCA2 DNA repair associated; plus strand). Cytogenetic location: 13q13.1.
Variant type: single nucleotide variant.
Coding change: c.4614T>C on transcript NM_000059.4 (MANE Select); coding-DNA position 4614, T replaced by C.
Protein change: p.Ser1538=; no amino-acid change (serine 1538 retained).
Molecular consequence: synonymous variant.
Genome position (GRCh38, 1-based): chr13:32,338,969, T>C. VCF-style: chr13-32338969-T-C. GRCh37 (hg19) VCF-style: chr13-32913106-T-C.
Other names: S1538S; p.S1538S:TCT>TCC; p.Ser1538=.
Identifiers: ClinVar variation 51683 (VCV000051683.58), dbSNP rs45520945, ClinGen allele CA020544.